The following is an entry in ClinVar:

NM_001367561.1(DOCK7):c.6212+19G>A

Gene: DOCK7 (dedicator of cytokinesis 7; minus strand). Cytogenetic location: 1p31.3.
Variant type: single nucleotide variant.
Coding change: c.6212+19G>A on transcript NM_001367561.1 (MANE Select); 19 bases into the intron after coding-DNA position 6212, G replaced by A.
Molecular consequence: intron variant.
Genome position (GRCh38, 1-based): chr1:62,473,963, C>T on the plus strand (G>A on the coding strand, the complement: DOCK7 is on the minus strand). VCF-style: chr1-62473963-C-T. GRCh37 (hg19) VCF-style: chr1-62939634-C-T.
Other names: c.6086+19G>A (NM_001272001.2); c.6092+19G>A (NM_001272000.2); c.6119+19G>A (NM_033407.4); c.6179+19G>A (NM_001271999.2); c.6185+19G>A (NM_001330614.2).
Identifiers: ClinVar variation 1255526 (VCV001255526.15), dbSNP rs1168007, ClinGen allele CA885271.

ClinVar aggregate classification (germline): Benign/Likely benign. Review status: criteria provided, multiple submitters, no conflicts (2 of 4 stars). 6 submissions from 6 submitters: Benign (5); Likely benign (1). Last evaluated 2026-02-04.

Conditions:
Developmental and epileptic encephalopathy, 23 (DEE23). Also called: Epileptic encephalopathy, early infantile, 23. Identifiers: Orphanet 411986, MedGen C4014492, MONDO:0014371, OMIM 615859.

Allele frequency attached by ClinVar (database versions not stated): TOPMed 0.96063; ESP Exome Variant Server 0.96117; 1000 Genomes Project 30x 0.96221; gnomAD 0.96294 and 0.96569; 1000 Genomes Project 0.96306; ExAC 0.98918.
gnomAD v4.1: 1,585,915 of 1,595,984 alleles (99%); highest among the groups gnomAD compares: East Asian, 100%; 788,492 homozygotes.

Submissions (6):

Labcorp Genetics (formerly Invitae), Labcorp
Classification: Benign for Developmental and epileptic encephalopathy, 23. Last evaluated: 2026-02-04. Review status: criteria provided, single submitter. Criteria: Invitae Variant Classification Sherloc (09022015). Collection method: clinical testing. Allele origin: germline.

Blueprint Genetics
Classification: Likely benign. Last evaluated: 2024-11-26. Review status: criteria provided, single submitter. Criteria: ACMG Guidelines, 2015. Collection method: clinical testing. Allele origin: germline.

Unidad de Genómica Garrahan, Hospital de Pediatría Garrahan
Classification: Benign. Last evaluated: 2024-07-15. Review status: criteria provided, single submitter. Criteria: ACMG Guidelines, 2015. Collection method: clinical testing. Allele origin: germline. Affected: no. Observed: 93 variant alleles.
Comment: This variant is classified as Benign based on local population frequency. This variant was detected in 100% of patients studied in a panel designed for Epileptic and Developmental Encephalopathy and Progressive Myoclonus Epilepsy. Number of patients: 93. Only high quality variants are reported.

Genome-Nilou Lab
Classification: Benign for Developmental and epileptic encephalopathy, 23. Last evaluated: 2021-07-30. Review status: criteria provided, single submitter. Criteria: ACMG Guidelines, 2015. Collection method: clinical testing. Allele origin: germline. Affected: no.

GeneDx
Classification: Benign. Last evaluated: 2021-03-08. Review status: criteria provided, single submitter. Criteria: GeneDx Variant Classification Process June 2021. Collection method: clinical testing. Allele origin: germline. Affected: yes.

Breakthrough Genomics
Classification: Benign. Review status: criteria provided, single submitter. Criteria: ACMG Guidelines, 2015. Collection method: not provided. Allele origin: germline. Inheritance: Autosomal recessive inheritance. Affected: yes.